The following is an entry in ClinVar:

ClinVar aggregate classification (germline): Uncertain significance (1 of 4 stars; one submission).

Conditions:
Cardiomyopathy (CMYO). Also called: Cardiomyopathies. Identifiers: Orphanet 167848, MedGen C0878544, MONDO:0004994, HP:0001638. Inheritance: Various modes of inheritance.

Allele frequency attached by ClinVar (database versions not stated): gnomAD exomes below 0.00001.

Submission:

Color Diagnostics, LLC DBA Color Health
Classification: Uncertain significance for Cardiomyopathy. Last evaluated: 2024-03-06. Review status: criteria provided, single submitter. Criteria: ACMG Guidelines, 2015. Collection method: clinical testing. Allele origin: germline.
Comment: This missense variant replaces serine with phenylalanine at codon 2810 of the DSP protein. Computational prediction is inconclusive regarding the impact of this variant on protein structure and function (internally defined REVEL score threshold 0.5 < inconclusive < 0.7, PMID: 27666373). Splice site prediction tools suggest that this variant may not impact RNA splicing. To our knowledge, functional studies have not been performed for this variant. This variant has not been reported in individuals affected with cardiovascular disorders in the literature. This variant has not been identified in the general population by the Genome Aggregation Database (gnomAD). The available evidence is insufficient to determine the role of this variant in disease conclusively. Therefore, this variant is classified as a Variant of Uncertain Significance.

NM_004415.4(DSP):c.8429C>T (p.Ser2810Phe)

Gene: DSP (desmoplakin; plus strand). Cytogenetic location: 6p24.3.
Variant type: single nucleotide variant.
Coding change: c.8429C>T on transcript NM_004415.4 (MANE Select); coding-DNA position 8429, C replaced by T.
Protein change: p.Ser2810Phe; replaces serine 2810 with phenylalanine.
Molecular consequence: missense variant.
Genome position (GRCh38, 1-based): chr6:7,585,691, C>T. VCF-style: chr6-7585691-C-T. GRCh37 (hg19) VCF-style: chr6-7585924-C-T.
Other names: c.6632C>T, p.Ser2211Phe (NM_001008844.3); c.7100C>T, p.Ser2367Phe (NM_001319034.2); short protein forms S2211F, S2810F, S2367F.
Identifiers: ClinVar variation 924055 (VCV000924055.4), dbSNP rs1759640944, ClinGen allele CA362695129.